The following is an entry in ClinVar:

ClinVar aggregate classification (germline): Likely benign. Review status: criteria provided, multiple submitters, no conflicts (2 of 4 stars). 2 submissions from 2 submitters: Likely benign (2). Last evaluated 2025-10-21.

Allele frequency attached by ClinVar (database versions not stated): gnomAD exomes 0.00010 and 0.00011; ExAC 0.00014; gnomAD 0.00022 and 0.00024; TOPMed 0.00023; ESP Exome Variant Server 0.00038; 1000 Genomes Project 0.00079; 1000 Genomes Project 30x 0.00104.
gnomAD v4.1: 154 of 1,208,861 alleles (0.013%); highest among the groups gnomAD compares: African/African-American, 0.045%; 1 homozygote.

Submissions (2):

Labcorp Genetics (formerly Invitae), Labcorp
Classification: Likely benign. Last evaluated: 2025-10-21. Review status: criteria provided, single submitter. Criteria: Invitae Variant Classification Sherloc (09022015). Collection method: clinical testing. Allele origin: germline.

CeGaT Center for Human Genetics Tuebingen
Classification: Likely benign. Last evaluated: 2023-05-01. Review status: criteria provided, single submitter. Criteria: CeGaT Center For Human Genetics Tuebingen Variant Classification Criteria Version 2. Collection method: clinical testing. Allele origin: germline. Affected: yes. Observed: 1 variant allele.
Comment: BCAP31: BP4, BP7, BS2

NM_001256447.2(BCAP31):c.579C>T (p.Asp193=)

Gene: BCAP31 (B cell receptor associated protein 31; minus strand). Cytogenetic location: Xq28.
Variant type: single nucleotide variant.
Coding change: c.579C>T on transcript NM_001256447.2 (MANE Select); coding-DNA position 579, C replaced by T.
Protein change: p.Asp193=; no amino-acid change (aspartic acid 193 retained).
Molecular consequence: synonymous variant.
Genome position (GRCh38, 1-based): chrX:153,702,957, G>A on the plus strand (C>T on the coding strand, the complement: BCAP31 is on the minus strand). VCF-style: chrX-153702957-G-A. GRCh37 (hg19) VCF-style: chrX-152968412-G-A.
Other names: c.579C>T, p.Asp193= (NM_001139441.1, NM_005745.8); c.780C>T, p.Asp260= (NM_001139457.2).
Identifiers: ClinVar variation 721369 (VCV000721369.31), dbSNP rs141341467, ClinGen allele CA10549743.
Genomic context (GRCh38, chrX:153,702,957, plus strand): 5'-GACTTCCCTGCGGGGAAGGACACGAGGTCGAGCCTCACTTTGCTTAGTGCTGGCCAGCTC[G>A]TCCTTTAGCTTCTGCAGGTCAGCCTTCAGGCTCCTGTTCTCTTCCTCCAACTTCACCTCA-3'
Protein context (NP_001243376.1, residues 183-203): SLKADLQKLK[Asp193=]ELASTKQKLE